The following is an entry in ClinVar:

NM_181882.3(PRX):c.4124G>T (p.Arg1375Leu)

Gene: PRX (periaxin; minus strand). Cytogenetic location: 19q13.2.
Variant type: single nucleotide variant.
Coding change: c.4124G>T on transcript NM_181882.3 (MANE Select); coding-DNA position 4124, G replaced by T.
Protein change: p.Arg1375Leu; replaces arginine 1375 with leucine.
Molecular consequence: missense variant. On other transcripts: 3 prime UTR variant (1).
Genome position (GRCh38, 1-based): chr19:40,394,228, C>A on the plus strand (G>T on the coding strand, the complement: PRX is on the minus strand). VCF-style: chr19-40394228-C-A. GRCh37 (hg19) VCF-style: chr19-40900135-C-A.
Other names: c.4409G>T, p.Arg1470Leu (NM_001411127.1); c.*4329G>T (NM_020956.2); short protein forms R1470L, R1375L.
Identifiers: ClinVar variation 2090032 (VCV002090032.4), dbSNP rs762053224, ClinGen allele CA405890660.

ClinVar aggregate classification (germline): Uncertain significance (1 of 4 stars; one submission).

Conditions:
Charcot-Marie-Tooth disease type 4. Also called: Charcot-Marie-Tooth, Type 4; Charcot-Marie-Tooth disease, type IV. Identifiers: Orphanet 64749, MedGen C4082197, MONDO:0018995.

Submission:

Labcorp Genetics (formerly Invitae), Labcorp
Classification: Uncertain significance for Charcot-Marie-Tooth disease type 4. Last evaluated: 2022-01-27. Review status: criteria provided, single submitter. Criteria: Invitae Variant Classification Sherloc (09022015). Collection method: clinical testing. Allele origin: germline.
Comment: In summary, the available evidence is currently insufficient to determine the role of this variant in disease. Therefore, it has been classified as a Variant of Uncertain Significance. Algorithms developed to predict the effect of missense changes on protein structure and function (SIFT, PolyPhen-2, Align-GVGD) all suggest that this variant is likely to be tolerated. This variant has not been reported in the literature in individuals affected with PRX-related conditions. This variant is not present in population databases (gnomAD no frequency). This sequence change replaces arginine, which is basic and polar, with leucine, which is neutral and non-polar, at codon 1375 of the PRX protein (p.Arg1375Leu).